The following is an entry in ClinVar:

ClinVar aggregate classification (germline): Benign. Review status: criteria provided, multiple submitters, no conflicts (2 of 4 stars). 9 submissions from 9 submitters: Benign (8). 1 of the submissions does not count toward it. Last evaluated 2026-02-04.

Conditions:
Cardiovascular phenotype. Identifiers: MedGen CN230736.
Alstrom syndrome (ALMS). Identifiers: Orphanet 64, MedGen C0268425, MONDO:0008763, OMIM 203800.

Allele frequency attached by ClinVar (database versions not stated): ESP Exome Variant Server 0.03472; 1000 Genomes Project 0.03654; TOPMed 0.03772; 1000 Genomes Project 30x 0.03826.
gnomAD v4.1: 10,114 of 1,614,074 alleles (0.63%); highest among the groups gnomAD compares: African/African-American, 12%; 543 homozygotes.

Submissions (9):

Labcorp Genetics (formerly Invitae), Labcorp
Classification: Benign for Alstrom syndrome. Last evaluated: 2026-02-04. Review status: criteria provided, single submitter. Criteria: Invitae Variant Classification Sherloc (09022015). Collection method: clinical testing. Allele origin: germline.

Blueprint Genetics
Classification: Benign. Last evaluated: 2024-11-14. Review status: criteria provided, single submitter. Criteria: ACMG Guidelines, 2015. Collection method: clinical testing. Allele origin: germline.

Fulgent Genetics
Classification: Benign for Alstrom syndrome. Last evaluated: 2021-12-20. Review status: criteria provided, single submitter. Criteria: ACMG Guidelines, 2015. Collection method: clinical testing. Allele origin: unknown.

Ambry Genetics
Classification: Benign for Cardiovascular phenotype. Last evaluated: 2019-01-07. Review status: criteria provided, single submitter. Criteria: Ambry Variant Classification Scheme 2023. Collection method: clinical testing. Allele origin: germline.

Athena Diagnostics
Classification: Benign. Last evaluated: 2018-05-23. Review status: criteria provided, single submitter. Criteria: Athena Diagnostics Criteria. Collection method: clinical testing. Allele origin: germline.

GeneDx
Classification: Benign. Last evaluated: 2016-10-10. Review status: criteria provided, single submitter. Criteria: GeneDx Variant Classification (06012015). Collection method: clinical testing. Allele origin: germline. Affected: yes.
Comment: This variant is considered likely benign or benign based on one or more of the following criteria: it is a conservative change, it occurs at a poorly conserved position in the protein, it is predicted to be benign by multiple in silico algorithms, and/or has population frequency not consistent with disease.

Laboratory for Molecular Medicine, Mass General Brigham Personalized Medicine
Classification: Benign. Last evaluated: 2016-03-21. Review status: criteria provided, single submitter. Criteria: LMM Criteria. Collection method: clinical testing. Allele origin: germline. Observed: 5 variant alleles.
Comment: p.Asp844Asp in exon 8 of ALMS1: This variant is not expected to have clinical si gnificance because it does not alter an amino acid residue, is not located withi n the splice consensus sequence, and has been identified in 11.66% (1143/9800) o f African chromosomes by the Exome Aggregation Consortium (ExAC; dbSNP rs77517267).

Breakthrough Genomics
Classification: Benign. Review status: criteria provided, single submitter. Criteria: ACMG Guidelines, 2015. Collection method: not provided. Allele origin: germline. Inheritance: Autosomal recessive inheritance. Affected: yes.

Natera, Inc.
Classification: Benign for Alstrom syndrome. Last evaluated: 2020-09-16. Review status: no assertion criteria provided. Collection method: clinical testing. Allele origin: germline. Not counted in ClinVar's aggregate classification.

NM_001378454.1(ALMS1):c.2535C>T (p.Asp845=)

Gene: ALMS1 (ALMS1 centrosome and basal body associated protein; plus strand). Cytogenetic location: 2p13.1.
Variant type: single nucleotide variant.
Coding change: c.2535C>T on transcript NM_001378454.1 (MANE Select); coding-DNA position 2535, C replaced by T.
Protein change: p.Asp845=; no amino-acid change (aspartic acid 845 retained).
Molecular consequence: synonymous variant.
Genome position (GRCh38, 1-based): chr2:73,449,062, C>T. VCF-style: chr2-73449062-C-T. GRCh37 (hg19) VCF-style: chr2-73676189-C-T.
Other names: c.2538C>T, p.Asp846= (NM_015120.4).
Identifiers: ClinVar variation 387348 (VCV000387348.23), dbSNP rs77517267, ClinGen allele CA1713372.